The following is an entry in ClinVar:

ClinVar aggregate classification (germline): Uncertain significance (1 of 4 stars; one submission).

Allele frequency attached by ClinVar (database versions not stated): gnomAD exomes below 0.00001.
gnomAD v4.1: 4 of 1,613,766 alleles (0.00025%); highest among the groups gnomAD compares: South Asian, 0.0022%; no homozygotes.

Submission:

Biesecker Lab/Clinical Genomics Section, National Institutes of Health
Classification: Uncertain significance. Last evaluated: 2013-06-24. Review status: criteria provided, single submitter. Criteria: Ng et al. (Circ Cardiovasc Genet. 2013). Collection method: research. Allele origin: unknown. Observed: 1 variant allele. Study: ClinSeq.
Comment: The study set was not selected for affection status in relation to any cancer. Pathogenicity categories were based on literature curation. See Pubmed ID:23861362 for details.

Medical sequencing

NM_001267550.2(TTN):c.99101G>C (p.Trp33034Ser)

Genes: TTN (titin; minus strand), TTN-AS1 (TTN antisense RNA 1; plus strand). Cytogenetic location: 2q31.2.
Variant type: single nucleotide variant.
Coding change: c.99101G>C on transcript NM_001267550.2 (MANE Select); coding-DNA position 99101, G replaced by C.
Protein change: p.Trp33034Ser; replaces tryptophan 33034 with serine.
Molecular consequence: missense variant. On other transcripts: non-coding transcript variant (1).
Genome position (GRCh38, 1-based): chr2:178,538,728, C>G on the plus strand (G>C on the coding strand, the complement: TTN is on the minus strand). VCF-style: chr2-178538728-C-G. GRCh37 (hg19) VCF-style: chr2-179403455-C-G.
Other names: c.94178G>C, p.Trp31393Ser (NM_001256850.1); c.71906G>C, p.Trp23969Ser (NM_003319.4); c.91397G>C, p.Trp30466Ser (NM_133378.4); c.72281G>C, p.Trp24094Ser (NM_133432.3); c.72482G>C, p.Trp24161Ser (NM_133437.4); short protein forms W30466S, W33034S, W23969S, W24094S, W31393S, W24161S.
Identifiers: ClinVar variation 191832 (VCV000191832.1), dbSNP rs786205365, ClinGen allele CA237659.